The following is an entry in ClinVar:

ClinVar aggregate classification (germline): Uncertain significance (1 of 4 stars; one submission).

Conditions:
SDCCAG8-related disorder. Also called: SDCCAG8-Related Disorders; SDCCAG8-related condition.

gnomAD v4.1: 5 of 1,611,032 alleles (0.00031%); highest among the groups gnomAD compares: Non-Finnish European, 0.00042%; no homozygotes.

Submission:

PreventionGenetics, part of Exact Sciences
Classification: Uncertain significance for SDCCAG8-related condition. Last evaluated: 2025-10-21. Review status: criteria provided, single submitter. Criteria: ACMG Guidelines, 2015. Collection method: clinical testing. Allele origin: germline.
Comment: The SDCCAG8 c.2113-1G>C variant is predicted to disrupt the AG splice acceptor site and interfere with normal splicing. To our knowledge, this variant has not been reported in the literature or in a large population database (gnomAD), indicating this variant is rare. This variant occurs in the last exon and no truncating variants downstream of this position have been reported to be pathogenic. At this time, the clinical significance of this variant is uncertain due to the absence of conclusive functional and genetic evidence.

NM_006642.5(SDCCAG8):c.2113-1G>C

Genes: AKT3 (AKT serine/threonine kinase 3; minus strand), SDCCAG8 (SHH signaling and ciliogenesis regulator SDCCAG8; plus strand). Cytogenetic location: 1q43.
Variant type: single nucleotide variant.
Coding change: c.2113-1G>C on transcript NM_006642.5 (MANE Select); the canonical splice acceptor site of the intron before coding-DNA position 2113, G replaced by C.
Molecular consequence: splice acceptor variant. On other transcripts: missense variant (2), 3 prime UTR variant (2).
Genome position (GRCh38, 1-based): chr1:243,499,755, G>C. VCF-style: chr1-243499755-G-C. GRCh37 (hg19) VCF-style: chr1-243663057-G-C.
Other names: c.1386C>G, p.Asn462Lys (NM_001206729.2, NM_181690.2); c.*5494C>G (NM_001370074.1, NM_005465.7); c.1819-1G>C (NM_001350249.2); c.1210-1G>C (NM_001350251.2, NM_001350246.2, NM_001350247.2); c.2209-1G>C (NM_001350248.2); short protein forms N462K.
Identifiers: ClinVar variation 4996573 (VCV004996573.1).